The following is an entry in ClinVar:

NM_025074.7(FRAS1):c.10425C>T (p.His3475=)

Gene: FRAS1 (Fraser extracellular matrix complex subunit 1; plus strand). Cytogenetic location: 4q21.21.
Variant type: single nucleotide variant.
Coding change: c.10425C>T on transcript NM_025074.7 (MANE Select); coding-DNA position 10425, C replaced by T.
Protein change: p.His3475=; no amino-acid change (histidine 3475 retained).
Molecular consequence: synonymous variant.
Genome position (GRCh38, 1-based): chr4:78,519,366, C>T. VCF-style: chr4-78519366-C-T. GRCh37 (hg19) VCF-style: chr4-79440520-C-T.
Identifiers: ClinVar variation 349800 (VCV000349800.16), dbSNP rs376096303, ClinGen allele CA2978963.

ClinVar aggregate classification (germline): Benign/Likely benign. Review status: criteria provided, multiple submitters, no conflicts (2 of 4 stars). 3 submissions from 3 submitters: Benign (1); Likely benign (1). 1 of the submissions does not count toward it. Last evaluated 2026-01-19.

Conditions:
FRAS1-related disorder. Also called: FRAS1-related condition.
Fraser syndrome 1 (FRASRS1). Also called: CRYPTOPHTHALMOS WITH OTHER MALFORMATIONS. Identifiers: Orphanet 2052, MedGen C4551480, MONDO:0054737, OMIM 219000.

Allele frequency attached by ClinVar (database versions not stated): ESP Exome Variant Server 0.00008; gnomAD 0.00009; gnomAD exomes 0.00012 and 0.00056; TOPMed 0.00034; ExAC 0.00060.
gnomAD v4.1: 178 of 1,597,032 alleles (0.011%); highest among the groups gnomAD compares: Admixed American, 0.29%; 1 homozygote.

Submissions (3):

Labcorp Genetics (formerly Invitae), Labcorp
Classification: Benign. Last evaluated: 2026-01-19. Review status: criteria provided, single submitter. Criteria: Invitae Variant Classification Sherloc (09022015). Collection method: clinical testing. Allele origin: germline.

Illumina Laboratory Services, Illumina
Classification: Likely benign for Fraser syndrome 1. Last evaluated: 2018-01-13. Review status: criteria provided, single submitter. Criteria: ICSL Variant Classification Criteria 13 December 2019. Collection method: clinical testing. Allele origin: germline.
Comment: This variant was observed in the ICSL laboratory as part of a predisposition screen in an ostensibly healthy population. It had not been previously curated by ICSL or reported in the Human Gene Mutation Database (HGMD: prior to June 1st, 2018), and was therefore a candidate for classification through an automated scoring system. Utilizing variant allele frequency, disease prevalence and penetrance estimates, and inheritance mode, an automated score was calculated to assess if this variant is too frequent to cause the disease. Based on the score and internal cut-off values, a variant classified as likely benign is not then subjected to further curation. The score for this variant resulted in a classification of likely benign for this disease.

PreventionGenetics, part of Exact Sciences
Classification: Likely benign for FRAS1-related condition. Last evaluated: 2019-06-27. Review status: no assertion criteria provided. Collection method: clinical testing. Allele origin: germline. Not counted in ClinVar's aggregate classification.
Comment: This variant is classified as likely benign based on ACMG/AMP sequence variant interpretation guidelines (Richards et al. 2015 PMID: 25741868, with internal and published modifications).